The following is an entry in ClinVar:

NM_001394998.1(TANC2):c.3698C>T (p.Thr1233Ile)

Genes: TANC2 (tetratricopeptide repeat, ankyrin repeat and coiled-coil containing 2; plus strand), LOC105371856 (uncharacterized LOC105371856; minus strand). Cytogenetic location: 17q23.3.
Variant type: single nucleotide variant.
Coding change: c.3698C>T on transcript NM_001394998.1 (MANE Select); coding-DNA position 3698, C replaced by T.
Protein change: p.Thr1233Ile; replaces threonine 1233 with isoleucine.
Molecular consequence: missense variant.
Genome position (GRCh38, 1-based): chr17:63,411,619, C>T. VCF-style: chr17-63411619-C-T. GRCh37 (hg19) VCF-style: chr17-61488980-C-T.
Other names: c.3476C>T, p.Thr1159Ile (NM_001411076.1, NM_025185.4); short protein forms T1233I, T1159I.
Identifiers: ClinVar variation 1896579 (VCV001896579.5), dbSNP rs1387995348, ClinGen allele CA400536352.

ClinVar aggregate classification (germline): Uncertain significance (1 of 4 stars; one submission).

Allele frequency attached by ClinVar (database versions not stated): TOPMed below 0.00001.
gnomAD v4.1: 1 of 1,614,016 alleles (0.000062%); highest among the groups gnomAD compares: Non-Finnish European, 0.000085%; no homozygotes.

Submission:

Labcorp Genetics (formerly Invitae), Labcorp
Classification: Uncertain significance. Last evaluated: 2022-10-18. Review status: criteria provided, single submitter. Criteria: Invitae Variant Classification Sherloc (09022015). Collection method: clinical testing. Allele origin: germline.
Comment: This sequence change replaces threonine, which is neutral and polar, with isoleucine, which is neutral and non-polar, at codon 1159 of the TANC2 protein (p.Thr1159Ile). This variant is not present in population databases (gnomAD no frequency). This variant has not been reported in the literature in individuals affected with TANC2-related conditions. Algorithms developed to predict the effect of missense changes on protein structure and function (SIFT, PolyPhen-2, Align-GVGD) all suggest that this variant is likely to be tolerated. In summary, the available evidence is currently insufficient to determine the role of this variant in disease. Therefore, it has been classified as a Variant of Uncertain Significance.